The following is an entry in ClinVar:

NM_022124.6(CDH23):c.2397+1G>C

Gene: CDH23 (cadherin related 23; plus strand). Cytogenetic location: 10q22.1.
Variant type: single nucleotide variant.
Coding change: c.2397+1G>C on transcript NM_022124.6 (MANE Select); the canonical splice donor site of the intron after coding-DNA position 2397, G replaced by C.
Molecular consequence: splice donor variant.
Genome position (GRCh38, 1-based): chr10:71,695,526, G>C. VCF-style: chr10-71695526-G-C. GRCh37 (hg19) VCF-style: chr10-73455283-G-C.
Other names: c.2397+1G>C (NM_001171930.2, NM_001171931.2).
Identifiers: ClinVar variation 3724300 (VCV003724300.2).

ClinVar aggregate classification (germline): Likely pathogenic (1 of 4 stars; one submission).

gnomAD v4.1: 1 of 1,600,842 alleles (0.000062%); highest among the groups gnomAD compares: African/African-American, 0.0013%; no homozygotes.

Submission:

Labcorp Genetics (formerly Invitae), Labcorp
Classification: Likely pathogenic. Last evaluated: 2024-10-30. Review status: criteria provided, single submitter. Criteria: Invitae Variant Classification Sherloc (09022015). Collection method: clinical testing. Allele origin: germline.
Comment: This sequence change affects a donor splice site in intron 22 of the CDH23 gene. It is expected to disrupt RNA splicing. Variants that disrupt the donor or acceptor splice site typically lead to a loss of protein function (PMID: 16199547), and loss-of-function variants in CDH23 are known to be pathogenic (PMID: 11138009, 21940737). This variant is not present in population databases (gnomAD no frequency). This variant has not been reported in the literature in individuals affected with CDH23-related conditions. Algorithms developed to predict the effect of sequence changes on RNA splicing suggest that this variant may disrupt the consensus splice site. In summary, the currently available evidence indicates that the variant is pathogenic, but additional data are needed to prove that conclusively. Therefore, this variant has been classified as Likely Pathogenic.

Literature cited by the submitters: PubMed 16199547; PubMed 11138009; PubMed 21940737.